The following is an entry in ClinVar:

ClinVar aggregate classification (germline): Uncertain significance (1 of 4 stars; one submission).

Conditions:
Glycogen storage disease IXd (GSD9D). Also called: Muscle Phosphorylase Kinase Deficiency; GSD IXd. Identifiers: Orphanet 715, MedGen C1845151, MONDO:0010362, OMIM 300559.

gnomAD v4.1: 10 of 1,176,938 alleles (0.00085%); highest among the groups gnomAD compares: South Asian, 0.0036%; no homozygotes.

Submission:

Labcorp Genetics (formerly Invitae), Labcorp
Classification: Uncertain significance for Glycogen storage disease IXd. Last evaluated: 2025-07-15. Review status: criteria provided, single submitter. Criteria: Invitae Variant Classification Sherloc (09022015). Collection method: clinical testing. Allele origin: germline.
Comment: This sequence change replaces threonine, which is neutral and polar, with methionine, which is neutral and non-polar, at codon 720 of the PHKA1 protein (p.Thr720Met). The frequency data for this variant in the population databases is considered unreliable, as metrics indicate poor data quality at this position in the gnomAD database. This variant has not been reported in the literature in individuals affected with PHKA1-related conditions. Invitae Evidence Modeling of protein sequence and biophysical properties (such as structural, functional, and spatial information, amino acid conservation, physicochemical variation, residue mobility, and thermodynamic stability) indicates that this missense variant is not expected to disrupt PHKA1 protein function with a negative predictive value of 80%. In summary, the available evidence is currently insufficient to determine the role of this variant in disease. Therefore, it has been classified as a Variant of Uncertain Significance.

NM_002637.4(PHKA1):c.2159C>T (p.Thr720Met)

Gene: PHKA1 (phosphorylase kinase regulatory subunit alpha 1; minus strand). Cytogenetic location: Xq13.1.
Variant type: single nucleotide variant.
Coding change: c.2159C>T on transcript NM_002637.4 (MANE Select); coding-DNA position 2159, C replaced by T.
Protein change: p.Thr720Met; replaces threonine 720 with methionine.
Molecular consequence: missense variant.
Genome position (GRCh38, 1-based): chrX:72,619,284, G>A on the plus strand (C>T on the coding strand, the complement: PHKA1 is on the minus strand). VCF-style: chrX-72619284-G-A. GRCh37 (hg19) VCF-style: chrX-71839134-G-A.
Other names: c.1982C>T, p.Thr661Met (NM_001172436.2, NM_001440788.1); c.2159C>T, p.Thr720Met (NM_001431068.1, NM_001440787.1, NM_001122670.2); short protein forms T720M, T661M.
Identifiers: ClinVar variation 4741757 (VCV004741757.1).